The following is an entry in ClinVar:

NM_004973.4(JARID2):c.3716C>A (p.Ser1239Tyr)

Gene: JARID2 (jumonji and AT-rich interaction domain containing 2; plus strand). Cytogenetic location: 6p22.3.
Variant type: single nucleotide variant.
Coding change: c.3716C>A on transcript NM_004973.4 (MANE Select); coding-DNA position 3716, C replaced by A.
Protein change: p.Ser1239Tyr; replaces serine 1239 with tyrosine.
Molecular consequence: missense variant.
Genome position (GRCh38, 1-based): chr6:15,520,226, C>A. VCF-style: chr6-15520226-C-A. GRCh37 (hg19) VCF-style: chr6-15520457-C-A.
Other names: c.3200C>A, p.Ser1067Tyr (NM_001267040.1); short protein forms S1067Y, S1239Y.
Identifiers: ClinVar variation 4821800 (VCV004821800.4).
Genomic context (GRCh38, chr6:15,520,226, plus strand): 5'-GTCCCCGCAAGAGAGCGACAGTGGACGTGCCCCCCTCCCGTCTGTCAGCCTCCAGTTCAT[C>A]CAAAAGTGCTTCGAGCTCATCATGAAGATGCCAACGCCCGTGGTCGATTTATATATATTT-3'
Protein context (NP_004964.2, residues 1229-1246): PPSRLSASSS[Ser1239Tyr]KSASSSS

ClinVar aggregate classification (germline): Likely benign (1 of 4 stars; one submission).

gnomAD v4.1: 77 of 1,610,998 alleles (0.0048%); highest among the groups gnomAD compares: Middle Eastern, 0.23%; no homozygotes.

Submission:

CeGaT Center for Human Genetics Tuebingen
Classification: Likely benign. Last evaluated: 2026-03-01. Review status: criteria provided, single submitter. Criteria: CeGaT Center For Human Genetics Tuebingen Variant Classification Criteria Version 2. Collection method: clinical testing. Allele origin: germline. Affected: yes. Observed: 1 variant allele.
Comment: JARID2: BP4